The following is an entry in ClinVar:

ClinVar aggregate classification (germline): Uncertain significance. Review status: criteria provided, multiple submitters, no conflicts (2 of 4 stars). 3 submissions from 3 submitters: Uncertain significance (3). Last evaluated 2026-01-30.

Conditions:
Nephronophthisis. Also called: Juvenile Nephronophthisis. Identifiers: Orphanet 655, MedGen C0687120, MONDO:0019005, HP:0000090.
IQCB1-related disorder. Also called: IQCB1-related condition.
Senior-Loken syndrome 5 (SLSN5). Identifiers: Orphanet 3156, MedGen C1836517, MONDO:0012225, OMIM 609254.

Allele frequency attached by ClinVar (database versions not stated): TOPMed 0.00002; gnomAD exomes 0.00008 and 0.00001; ExAC 0.00009.
gnomAD v4.1: 20 of 1,609,622 alleles (0.0012%); highest among the groups gnomAD compares: Admixed American, 0.033%; no homozygotes.

Submissions (3):

PreventionGenetics, part of Exact Sciences
Classification: Uncertain significance for IQCB1-related condition. Last evaluated: 2026-01-30. Review status: criteria provided, single submitter. Criteria: ACMG Guidelines, 2015. Collection method: clinical testing. Allele origin: germline.
Comment: The IQCB1 c.68A>G variant is predicted to result in the amino acid substitution p.Gln23Arg. To our knowledge, this variant has not been reported in the literature. This variant is reported in 0.055% of alleles in individuals of Latino descent in gnomAD, which may be too frequent to be a primary cause of disease. Although we suspect that this variant may be benign, at this time, the clinical significance of this variant is uncertain due to the absence of conclusive functional and genetic evidence.

Labcorp Genetics (formerly Invitae), Labcorp
Classification: Uncertain significance for Nephronophthisis. Last evaluated: 2025-02-10. Review status: criteria provided, single submitter. Criteria: Invitae Variant Classification Sherloc (09022015). Collection method: clinical testing. Allele origin: germline.
Comment: This sequence change replaces glutamine, which is neutral and polar, with arginine, which is basic and polar, at codon 23 of the IQCB1 protein (p.Gln23Arg). This variant is present in population databases (rs200205161, gnomAD 0.06%). This variant has not been reported in the literature in individuals affected with IQCB1-related conditions. ClinVar contains an entry for this variant (Variation ID: 966972). Invitae Evidence Modeling of protein sequence and biophysical properties (such as structural, functional, and spatial information, amino acid conservation, physicochemical variation, residue mobility, and thermodynamic stability) indicates that this missense variant is not expected to disrupt IQCB1 protein function with a negative predictive value of 80%. In summary, the available evidence is currently insufficient to determine the role of this variant in disease. Therefore, it has been classified as a Variant of Uncertain Significance.

Fulgent Genetics
Classification: Uncertain significance for Senior-Loken syndrome 5. Last evaluated: 2024-03-18. Review status: criteria provided, single submitter. Criteria: ACMG Guidelines, 2015. Collection method: clinical testing. Allele origin: germline.

NM_001023570.4(IQCB1):c.68A>G (p.Gln23Arg)

Gene: IQCB1 (IQ motif containing B1; minus strand). Cytogenetic location: 3q13.33.
Variant type: single nucleotide variant.
Coding change: c.68A>G on transcript NM_001023570.4 (MANE Select); coding-DNA position 68, A replaced by G.
Protein change: p.Gln23Arg; replaces glutamine 23 with arginine.
Molecular consequence: missense variant. On other transcripts: non-coding transcript variant (1).
Genome position (GRCh38, 1-based): chr3:121,828,893, T>C on the plus strand (A>G on the coding strand, the complement: IQCB1 is on the minus strand). VCF-style: chr3-121828893-T-C. GRCh37 (hg19) VCF-style: chr3-121547740-T-C.
Other names: c.68A>G (NM_001023570.3); c.68A>G, p.Gln23Arg (NM_001023571.4, NM_001319107.2); short protein forms Q23R.
Identifiers: ClinVar variation 966972 (VCV000966972.9), dbSNP rs200205161, ClinGen allele CA2567528.
Genomic context (GRCh38, chr3:121,828,893, plus strand): 5'-CTATCTAATCACAAAAAGATTTTCTTACCTTTTAACTTCAACAGTATAACAGGGACATTC[T>C]GCTCAGGGCTTTTTGCAACTTCAGCAGCTATAGATAAGATCCTTGGGTCTGTACCTGTTG-3'
Protein context (NP_001018864.2, residues 13-33): IAAEVAKSPE[Gln23Arg]NVPVILLKLK